The following is an entry in ClinVar:

ClinVar aggregate classification (germline): Likely pathogenic (1 of 4 stars; one submission).

Conditions:
Nance-Horan syndrome (NHS). Identifiers: Orphanet 627, MedGen C0796085, MONDO:0010545, OMIM 302350.

Submission:

Dept. Genetics and Cancer, Menzies Institute for Medical Research, University of Tasmania
Classification: Likely pathogenic for Nance-Horan syndrome. Last evaluated: 2024-09-12. Review status: criteria provided, single submitter. Criteria: ACMG Guidelines, 2015. Collection method: research. Allele origin: germline. Affected: yes. Observed: 1 variant allele.
Comment: NHS NM_001291867.2:c.348delG p.(Ala117Profs*79). ACMG-AMP criteria: PM2_Supp, PVS1. Absent from population databases (gnomad v4.0), Frameshift variant predicted to undergo NMD.

NM_001291867.2(NHS):c.349del (p.Ala117fs)

Gene: NHS (NHS actin remodeling regulator; plus strand). Cytogenetic location: Xp22.2.
Variant type: Deletion.
Coding change: c.349del on transcript NM_001291867.2 (MANE Select); coding-DNA position 349, one base deleted (G; older notation c.349delG).
Protein change: p.Ala117fs; shifts the reading frame from alanine 117.
Molecular consequence: frameshift variant.
Genome position (GRCh38, 1-based): chrX:17,376,106, G deleted; the last of 2 consecutive G bases (chrX:17,376,105-17,376,106); deleting either gives the same sequence. VCF-style (leftmost placement, unchanged base first): chrX-17376104-CG-C. GRCh37 (hg19) VCF-style: chrX-17394227-CG-C.
Other names: c.348delG (NM_001291867.2); c.349del, p.Ala117fs (NM_198270.4); short protein forms A117fs.
Identifiers: ClinVar variation 3253731 (VCV003253731.2).